The following is an entry in ClinVar:

NM_001013838.3(CARMIL2):c.1578T>G (p.Asp526Glu)

Gene: CARMIL2 (capping protein regulator and myosin 1 linker 2; plus strand). Cytogenetic location: 16q22.1.
Variant type: single nucleotide variant.
Coding change: c.1578T>G on transcript NM_001013838.3 (MANE Select); coding-DNA position 1578, T replaced by G.
Protein change: p.Asp526Glu; replaces aspartic acid 526 with glutamic acid.
Molecular consequence: missense variant.
Genome position (GRCh38, 1-based): chr16:67,648,961, T>G. VCF-style: chr16-67648961-T-G. GRCh37 (hg19) VCF-style: chr16-67682864-T-G.
Other names: c.1470T>G, p.Asp490Glu (NM_001317026.3); short protein forms D490E, D526E.
Identifiers: ClinVar variation 1430898 (VCV001430898.7), dbSNP rs780685103, ClinGen allele CA8113492.
Genomic context (GRCh38, chr16:67,648,961, plus strand): 5'-GGCCGGCGCCCAGGTGATACAAGACTTAGTGTGCGACGCAGGCGCTGTGAGCTCCCTGGA[T>G]CTGGCGGATAACGGTGAGGCTGCAGGAGAGCCCATCCTCGCATCATCCACTCGATTCCCA-3'
Protein context (NP_001013860.1, residues 516-536): VCDAGAVSSL[Asp526Glu]LADNGFGSDM

ClinVar aggregate classification (germline): Uncertain significance. Review status: criteria provided, multiple submitters, no conflicts (2 of 4 stars). 2 submissions from 2 submitters: Uncertain significance (2). Last evaluated 2025-03-05.

Allele frequency attached by ClinVar (database versions not stated): ExAC 0.00001; gnomAD 0.00002; gnomAD exomes 0.00002 and 0.00003; TOPMed 0.00003.
gnomAD v4.1: 42 of 1,609,610 alleles (0.0026%); highest among the groups gnomAD compares: Middle Eastern, 0.016%; no homozygotes.

Submissions (2):

Labcorp Genetics (formerly Invitae), Labcorp
Classification: Uncertain significance. Last evaluated: 2025-03-05. Review status: criteria provided, single submitter. Criteria: Invitae Variant Classification Sherloc (09022015). Collection method: clinical testing. Allele origin: germline.
Comment: This sequence change replaces aspartic acid, which is acidic and polar, with glutamic acid, which is acidic and polar, at codon 526 of the CARMIL2 protein (p.Asp526Glu). This variant is present in population databases (rs780685103, gnomAD 0.006%). This variant has not been reported in the literature in individuals affected with CARMIL2-related conditions. ClinVar contains an entry for this variant (Variation ID: 1430898). Invitae Evidence Modeling of protein sequence and biophysical properties (such as structural, functional, and spatial information, amino acid conservation, physicochemical variation, residue mobility, and thermodynamic stability) indicates that this missense variant is not expected to disrupt CARMIL2 protein function with a negative predictive value of 80%. In summary, the available evidence is currently insufficient to determine the role of this variant in disease. Therefore, it has been classified as a Variant of Uncertain Significance.

Blueprint Genetics
Classification: Uncertain significance. Last evaluated: 2023-07-13. Review status: criteria provided, single submitter. Criteria: ACMG Guidelines, 2015. Collection method: clinical testing. Allele origin: germline.